The following is an entry in ClinVar:

NM_000048.4(ASL):c.1262C>T (p.Ser421Leu)

Gene: ASL (argininosuccinate lyase; plus strand). Cytogenetic location: 7q11.21.
Variant type: single nucleotide variant.
Coding change: c.1262C>T on transcript NM_000048.4 (MANE Select); coding-DNA position 1262, C replaced by T.
Protein change: p.Ser421Leu; replaces serine 421 with leucine.
Molecular consequence: missense variant.
Genome position (GRCh38, 1-based): chr7:66,092,779, C>T. VCF-style: chr7-66092779-C-T. GRCh37 (hg19) VCF-style: chr7-65557766-C-T.
Other names: c.1262C>T, p.Ser421Leu (NM_001024943.2); c.1202C>T, p.Ser401Leu (NM_001024944.2); c.1184C>T, p.Ser395Leu (NM_001024946.2); short protein forms S401L, S421L, S395L.
Identifiers: ClinVar variation 966088 (VCV000966088.9), dbSNP rs148669165, ClinGen allele CA4277368.

ClinVar aggregate classification (germline): Uncertain significance. Review status: criteria provided, single submitter (1 of 4 stars). 2 submissions from 2 submitters: Uncertain significance (1). 1 of the submissions does not count toward it. Last evaluated 2022-08-16.

Conditions:
Argininosuccinate lyase deficiency. Also called: ARGININOSUCCINIC ACID LYASE DEFICIENCY; ASL DEFICIENCY; Argininosuccinic aciduria. Identifiers: Orphanet 23, MedGen C0268547, MONDO:0008815, OMIM 207900, HP:0025630.

Allele frequency attached by ClinVar (database versions not stated): ExAC 0.00001; gnomAD exomes 0.00001; TOPMed 0.00001; gnomAD 0.00002; ESP Exome Variant Server 0.00015.
gnomAD v4.1: 18 of 1,613,740 alleles (0.0011%); highest among the groups gnomAD compares: Non-Finnish European, 0.0014%; no homozygotes.

Submissions (2):

Labcorp Genetics (formerly Invitae), Labcorp
Classification: Uncertain significance for Argininosuccinate lyase deficiency. Last evaluated: 2022-08-16. Review status: criteria provided, single submitter. Criteria: Invitae Variant Classification Sherloc (09022015). Collection method: clinical testing. Allele origin: germline.
Comment: This sequence change replaces serine, which is neutral and polar, with leucine, which is neutral and non-polar, at codon 421 of the ASL protein (p.Ser421Leu). This variant is present in population databases (rs148669165, gnomAD 0.0009%). This variant has not been reported in the literature in individuals affected with ASL-related conditions. ClinVar contains an entry for this variant (Variation ID: 966088). Advanced modeling of protein sequence and biophysical properties (such as structural, functional, and spatial information, amino acid conservation, physicochemical variation, residue mobility, and thermodynamic stability) performed at Invitae indicates that this missense variant is not expected to disrupt ASL protein function. In summary, the available evidence is currently insufficient to determine the role of this variant in disease. Therefore, it has been classified as a Variant of Uncertain Significance.

Natera, Inc.
Classification: Uncertain significance for Argininosuccinate lyase deficiency. Last evaluated: 2020-01-22. Review status: no assertion criteria provided. Collection method: clinical testing. Allele origin: germline. Not counted in ClinVar's aggregate classification.